The following is an entry in ClinVar:

NM_000038.6(APC):c.2372A>G (p.His791Arg)

Gene: APC (APC regulator of Wnt signaling pathway; plus strand). Cytogenetic location: 5q22.2.
Variant type: single nucleotide variant.
Coding change: c.2372A>G on transcript NM_000038.6 (MANE Select); coding-DNA position 2372, A replaced by G.
Protein change: p.His791Arg; replaces histidine 791 with arginine.
Molecular consequence: missense variant.
Genome position (GRCh38, 1-based): chr5:112,837,966, A>G. VCF-style: chr5-112837966-A-G. GRCh37 (hg19) VCF-style: chr5-112173663-A-G.
Other names: c.2372A>G, p.His791Arg (NM_001127510.3, NM_001354895.2); c.2318A>G, p.His773Arg (NM_001127511.3); c.2426A>G, p.His809Arg (NM_001354896.2); c.2402A>G, p.His801Arg (NM_001354897.2); c.2297A>G, p.His766Arg (NM_001354898.2); c.2288A>G, p.His763Arg (NM_001354899.2); c.2249A>G, p.His750Arg (NM_001354900.2); c.2195A>G, p.His732Arg (NM_001354901.2); and 5 more; short protein forms H791R, H773R, H732R, H508R, H631R, H750R, H763R, H766R.
Identifiers: ClinVar variation 485128 (VCV000485128.14), dbSNP rs1554084104, ClinGen allele CA16026541.

ClinVar aggregate classification (germline): Uncertain significance. Review status: criteria provided, multiple submitters, no conflicts (2 of 4 stars). 3 submissions from 3 submitters: Uncertain significance (3). Last evaluated 2023-06-21.

Conditions:
Familial adenomatous polyposis 1 (FAP1). Also called: FAMILIAL ADENOMATOUS POLYPOSIS 1, ATTENUATED; POLYPOSIS, ADENOMATOUS INTESTINAL. Identifiers: MedGen C2713442, MONDO:0021056, OMIM 175100. Disease mechanism: loss of function.
Hereditary cancer-predisposing syndrome. Also called: Neoplastic Syndromes, Hereditary; Tumor predisposition; Hereditary Cancer Syndrome; Hereditary neoplastic syndrome. Identifiers: Orphanet 140162, MedGen C0027672, MeSH D009386, MONDO:0015356.

Submissions (3):

Baylor Genetics
Classification: Uncertain significance for Familial adenomatous polyposis 1. Last evaluated: 2023-06-21. Review status: criteria provided, single submitter. Criteria: ACMG Guidelines, 2015. Collection method: clinical testing. Allele origin: unknown.

Labcorp Genetics (formerly Invitae), Labcorp
Classification: Uncertain significance for Familial adenomatous polyposis 1. Last evaluated: 2022-09-01. Review status: criteria provided, single submitter. Criteria: Invitae Variant Classification Sherloc (09022015). Collection method: clinical testing. Allele origin: germline.
Comment: In summary, the available evidence is currently insufficient to determine the role of this variant in disease. Therefore, it has been classified as a Variant of Uncertain Significance. Algorithms developed to predict the effect of missense changes on protein structure and function are either unavailable or do not agree on the potential impact of this missense change (SIFT: "Deleterious"; PolyPhen-2: "Possibly Damaging"; Align-GVGD: "Class C0"). ClinVar contains an entry for this variant (Variation ID: 485128). This variant has not been reported in the literature in individuals affected with APC-related conditions. This variant is not present in population databases (gnomAD no frequency). This sequence change replaces histidine, which is basic and polar, with arginine, which is basic and polar, at codon 791 of the APC protein (p.His791Arg).

Ambry Genetics
Classification: Uncertain significance for Hereditary cancer-predisposing syndrome. Last evaluated: 2019-12-05. Review status: criteria provided, single submitter. Criteria: Ambry Variant Classification Scheme 2023. Collection method: clinical testing. Allele origin: germline.
Comment: The p.H791R variant (also known as c.2372A>G), located in coding exon 15 of the APC gene, results from an A to G substitution at nucleotide position 2372. The histidine at codon 791 is replaced by arginine, an amino acid with highly similar properties. This amino acid position is well conserved in available vertebrate species. In addition, in silico predictors for this gene do not accurately predict pathogenicity. Since supporting evidence is limited at this time, the clinical significance of this alteration remains unclear.